The following is an entry in ClinVar:

NM_002855.5(NECTIN1):c.1442A>G (p.Tyr481Cys)

Gene: NECTIN1 (nectin cell adhesion molecule 1; minus strand). Cytogenetic location: 11q23.3.
Variant type: single nucleotide variant.
Coding change: c.1442A>G on transcript NM_002855.5 (MANE Select); coding-DNA position 1442, A replaced by G.
Protein change: p.Tyr481Cys; replaces tyrosine 481 with cysteine.
Molecular consequence: missense variant. On other transcripts: intron variant (1).
Genome position (GRCh38, 1-based): chr11:119,664,859, T>C on the plus strand (A>G on the coding strand, the complement: NECTIN1 is on the minus strand). VCF-style: chr11-119664859-T-C. GRCh37 (hg19) VCF-style: chr11-119535569-T-C.
Other names: c.1003+10300A>G (NM_203285.2); short protein forms Y481C.
Identifiers: ClinVar variation 2047040 (VCV002047040.3), dbSNP rs528927625, ClinGen allele CA6321783.

ClinVar aggregate classification (germline): Uncertain significance (1 of 4 stars; one submission).

Allele frequency attached by ClinVar (database versions not stated): gnomAD 0.00009; TOPMed 0.00009; gnomAD exomes 0.00011; ExAC 0.00013; 1000 Genomes Project 30x 0.00016; 1000 Genomes Project 0.00020.

Submission:

Labcorp Genetics (formerly Invitae), Labcorp
Classification: Uncertain significance. Last evaluated: 2022-05-03. Review status: criteria provided, single submitter. Criteria: Invitae Variant Classification Sherloc (09022015). Collection method: clinical testing. Allele origin: germline.
Comment: In summary, the available evidence is currently insufficient to determine the role of this variant in disease. Therefore, it has been classified as a Variant of Uncertain Significance. Algorithms developed to predict the effect of missense changes on protein structure and function are either unavailable or do not agree on the potential impact of this missense change (SIFT: "Deleterious"; PolyPhen-2: "Probably Damaging"; Align-GVGD: "Class C0"). This variant has not been reported in the literature in individuals affected with NECTIN1-related conditions. This variant is present in population databases (rs528927625, gnomAD 0.04%), including at least one homozygous and/or hemizygous individual. This sequence change replaces tyrosine, which is neutral and polar, with cysteine, which is neutral and slightly polar, at codon 481 of the NECTIN1 protein (p.Tyr481Cys).